The following is an entry in ClinVar:

NM_000526.5(KRT14):c.356T>C (p.Met119Thr)

Gene: KRT14 (keratin 14; minus strand). Cytogenetic location: 17q21.2.
Variant type: single nucleotide variant.
Coding change: c.356T>C on transcript NM_000526.5 (MANE Select); coding-DNA position 356, T replaced by C.
Protein change: p.Met119Thr; replaces methionine 119 with threonine.
Molecular consequence: missense variant.
Genome position (GRCh38, 1-based): chr17:41,586,479, A>G on the plus strand (T>C on the coding strand, the complement: KRT14 is on the minus strand). VCF-style: chr17-41586479-A-G. GRCh37 (hg19) VCF-style: chr17-39742731-A-G.
Other names: c.356T>C (NM_000526.4); short protein forms M119T.
Identifiers: ClinVar variation 14619 (VCV000014619.12), dbSNP rs28928893, ClinGen allele CA216901.
Genomic context (GRCh38, chr17:41,586,479, plus strand): 5'-GCCTCCTCCAGAGCACGCACCTTGTCCAGGTAGGAGGCCAGGCGGTCATTGAGGTTCTGC[A>G]TGGTCACCTTCTCACTGCCCACCAGAAGCCCATCACCACCAGCAAAGCCACCACCAAAGC-3'
Protein context (NP_000517.3, residues 109-129): GLLVGSEKVT[Met119Thr]QNLNDRLASY

ClinVar aggregate classification (germline): Pathogenic. Review status: criteria provided, multiple submitters, no conflicts (2 of 4 stars). 6 submissions from 6 submitters: Pathogenic (2). 4 of the submissions do not count toward it. Last evaluated 2023-03-23.

Conditions:
KRT14-related disorder. Also called: KRT14-related condition.
Epidermolysis bullosa simplex 1A, generalized severe (EBS1A). Also called: Epidermolysis bullosa simplex Dowling-Meara type. Identifiers: Orphanet 79396, MedGen C0079295, MONDO:0007550, OMIM 131760.

Submissions (6):

Labcorp Genetics (formerly Invitae), Labcorp
Classification: Pathogenic. Last evaluated: 2023-03-23. Review status: criteria provided, single submitter. Criteria: Invitae Variant Classification Sherloc (09022015). Collection method: clinical testing. Allele origin: germline.
Comment: Advanced modeling of protein sequence and biophysical properties (such as structural, functional, and spatial information, amino acid conservation, physicochemical variation, residue mobility, and thermodynamic stability) performed at Invitae indicates that this missense variant is expected to disrupt KRT14 protein function. This variant disrupts the p.Met119 amino acid residue in KRT14. Other variant(s) that disrupt this residue have been determined to be pathogenic (PMID: 11710919). This suggests that this residue is clinically significant, and that variants that disrupt this residue are likely to be disease-causing. For these reasons, this variant has been classified as Pathogenic. ClinVar contains an entry for this variant (Variation ID: 14619). This missense change has been observed in individual(s) with autosomal dominant epidermolysis bullosa (PMID: 9804355, 16098032, 26432462). This variant is not present in population databases (gnomAD no frequency). This sequence change replaces methionine, which is neutral and non-polar, with threonine, which is neutral and polar, at codon 119 of the KRT14 protein (p.Met119Thr).

GeneDx
Classification: Pathogenic. Last evaluated: 2020-12-08. Review status: criteria provided, single submitter. Criteria: GeneDx Variant Classification Process June 2021. Collection method: clinical testing. Allele origin: germline. Affected: yes.
Comment: Not observed in large population cohorts (Lek et al., 2016); Missense variants in this gene are often considered pathogenic (Stenson et al., 2014); In silico analysis supports that this missense variant has a deleterious effect on protein structure/function; This variant is associated with the following publications: (PMID: 22640275, 26432462, 21844930, 12101866, 20030639, 16439965, 27384765, 16601668, 20301543, 11710919, 16098032, 9804355)

PreventionGenetics, part of Exact Sciences
Classification: Pathogenic for KRT14-related condition. Last evaluated: 2024-08-23. Review status: no assertion criteria provided. Collection method: clinical testing. Allele origin: germline. Not counted in ClinVar's aggregate classification.
Comment: The KRT14 c.356T>C variant is predicted to result in the amino acid substitution p.Met119Thr. This variant has been reported in individuals with epidermolysis bullosa (Shemanko et al. 1998. PubMed ID: 9804355; Pfendner et al. 2005. PubMed ID: 16098032; Wei et al. 2020. PubMed ID: 32978145; Chen et al. 2022. PubMed ID: 36287101). Other variants at this amino acid position have also been shown to be disease causing (Cummins et al. 2001. PubMed ID: 11710919). This variant has not been reported in a large population database, indicating this variant is rare and has been consistently classified as pathogenic in ClinVar. This variant is interpreted as pathogenic.

GeneReviews
Classification: Pathogenic for Epidermolysis Bullosa Simplex. Last evaluated: 2011-09-01. Review status: no assertion criteria provided. Collection method: curation. Allele origin: unknown. Not counted in ClinVar's aggregate classification.
ClinVar note: Converted during submission from pathologic to Pathogenic.

OMIM
Classification: Pathogenic for EPIDERMOLYSIS BULLOSA SIMPLEX 1A, GENERALIZED SEVERE. Last evaluated: 1998-11-01. Review status: no assertion criteria provided. Collection method: literature only. Allele origin: germline. Not counted in ClinVar's aggregate classification.

Epithelial Biology;  Institute of Medical Biology, Singapore
No classification provided. Review status: no classification provided. Collection method: not provided. Allele origin: not provided. Not counted in ClinVar's aggregate classification.

Literature cited by the submitters: PubMed 11710919 (cited by Labcorp Genetics (formerly Invitae), Labcorp and OMIM); PubMed 9804355 (cited by Labcorp Genetics (formerly Invitae), Labcorp and OMIM); PubMed 16098032 (cited by Labcorp Genetics (formerly Invitae), Labcorp); PubMed 26432462 (cited by Labcorp Genetics (formerly Invitae), Labcorp); PubMed 16439965 (cited by OMIM).